The following is an entry in ClinVar:

NM_000051.4(ATM):c.4680G>T (p.Lys1560Asn)

Gene: ATM (ATM serine/threonine kinase; plus strand). Cytogenetic location: 11q22.3.
Variant type: single nucleotide variant.
Coding change: c.4680G>T on transcript NM_000051.4 (MANE Select); coding-DNA position 4680, G replaced by T.
Protein change: p.Lys1560Asn; replaces lysine 1560 with asparagine.
Molecular consequence: missense variant.
Genome position (GRCh38, 1-based): chr11:108,293,381, G>T. VCF-style: chr11-108293381-G-T. GRCh37 (hg19) VCF-style: chr11-108164108-G-T.
Other names: c.4680G>T, p.Lys1560Asn (NM_001351834.2); short protein forms K1560N.
Identifiers: ClinVar variation 5031438 (VCV005031438.1).

ClinVar aggregate classification (germline): Uncertain significance (1 of 4 stars; one submission).

Conditions:
Hereditary cancer-predisposing syndrome. Also called: Neoplastic Syndromes, Hereditary; Tumor predisposition; Hereditary neoplastic syndrome; Hereditary Cancer Syndrome. Identifiers: Orphanet 140162, MedGen C0027672, MeSH D009386, MONDO:0015356.

Submission:

Ambry Genetics
Classification: Uncertain significance for Hereditary cancer-predisposing syndrome. Last evaluated: 2026-07-09. Review status: criteria provided, single submitter. Criteria: Ambry Variant Classification Scheme 2023. Collection method: clinical testing. Allele origin: germline.
Comment: The p.K1560N variant (also known as c.4680G>T), located in coding exon 30 of the ATM gene, results from a G to T substitution at nucleotide position 4680. The lysine at codon 1560 is replaced by asparagine, an amino acid with similar properties. This amino acid position is well conserved in available vertebrate species. In addition, this alteration is predicted to be tolerated by in silico analysis. Based on the available evidence, the clinical significance of this variant remains unclear.